The following is an entry in ClinVar:

NM_017534.6(MYH2):c.962T>G (p.Ile321Ser)

Genes: MYHAS (myosin heavy chain gene cluster antisense RNA; plus strand), MYH2 (myosin heavy chain 2; minus strand). Cytogenetic location: 17p13.1.
Variant type: single nucleotide variant.
Coding change: c.962T>G on transcript NM_017534.6 (MANE Select); coding-DNA position 962, T replaced by G.
Protein change: p.Ile321Ser; replaces isoleucine 321 with serine.
Molecular consequence: missense variant.
Genome position (GRCh38, 1-based): chr17:10,540,640, A>C on the plus strand (T>G on the coding strand, the complement: MYH2 is on the minus strand). VCF-style: chr17-10540640-A-C. GRCh37 (hg19) VCF-style: chr17-10443957-A-C.
Other names: c.962T>G, p.Ile321Ser (NM_001100112.2); short protein forms I321S.
Identifiers: ClinVar variation 4745238 (VCV004745238.1).
Genomic context (GRCh38, chr17:10,540,640, plus strand): 5'-TGTGTTCTACTTACATCTGTGGCCATCAGTTCTTCCTGATCATCGATGCTGGCCACACTG[A>C]TCTCCCCTTGACTGACAAATGGGTAATCATATGGGTTCGTGGTAATCAGAAGCATTTCTA-3'
Protein context (NP_060004.3, residues 311-331): YDYPFVSQGE[Ile321Ser]SVASIDDQEE

ClinVar aggregate classification (germline): Uncertain significance (1 of 4 stars; one submission).

Conditions:
Myopathy, proximal, and ophthalmoplegia (CMYO6). Also called: INCLUSION BODY MYOPATHY 3, AUTOSOMAL DOMINANT; CONGENITAL MYOPATHY 6 WITH OPHTHALMOPLEGIA; MYOPATHY WITH CONGENITAL JOINT CONTRACTURES, OPHTHALMOPLEGIA, AND RIMMED VACUOLES. Identifiers: Orphanet 363677, Orphanet 79091, MedGen C1854106, MONDO:0011577, OMIM 605637.

Submission:

Labcorp Genetics (formerly Invitae), Labcorp
Classification: Uncertain significance for Myopathy, proximal, and ophthalmoplegia. Last evaluated: 2025-12-30. Review status: criteria provided, single submitter. Criteria: Invitae Variant Classification Sherloc (09022015). Collection method: clinical testing. Allele origin: germline.
Comment: This sequence change replaces isoleucine, which is neutral and non-polar, with serine, which is neutral and polar, at codon 321 of the MYH2 protein (p.Ile321Ser). This variant is not present in population databases (gnomAD no frequency). This variant has not been reported in the literature in individuals affected with MYH2-related conditions. Invitae Evidence Modeling of protein sequence and biophysical properties (such as structural, functional, and spatial information, amino acid conservation, physicochemical variation, residue mobility, and thermodynamic stability) indicates that this missense variant is not expected to disrupt MYH2 protein function with a negative predictive value of 80%. In summary, the available evidence is currently insufficient to determine the role of this variant in disease. Therefore, it has been classified as a Variant of Uncertain Significance.